The following is an entry in ClinVar:

ClinVar aggregate classification (germline): Uncertain significance. Review status: criteria provided, multiple submitters, no conflicts (2 of 4 stars). 3 submissions from 3 submitters: Uncertain significance (3). Last evaluated 2023-12-23.

Conditions:
Familial hypocalciuric hypercalcemia (FHH). Also called: Familial benign hypercalcemia. Identifiers: Orphanet 405, MedGen C1809471, MONDO:0018458.
Autosomal dominant hypocalcemia 1 (HYPOC1). Also called: HYPOCALCEMIA, FAMILIAL. Identifiers: MedGen C3715128, MONDO:0011013, OMIM 601198.
Nephrolithiasis/nephrocalcinosis. Identifiers: MedGen CN580796.

Allele frequency attached by ClinVar (database versions not stated): gnomAD exomes below 0.00001; ExAC 0.00001.
gnomAD v4.1: 1 of 1,613,914 alleles (0.000062%); highest among the groups gnomAD compares: Non-Finnish European, 0.000085%; no homozygotes.

Submissions (3):

Ambry Genetics
Classification: Uncertain significance for Nephrolithiasis/nephrocalcinosis. Last evaluated: 2023-12-23. Review status: criteria provided, single submitter. Criteria: Ambry Variant Classification Scheme 2023. Collection method: clinical testing. Allele origin: germline.
Comment: The p.Y744F variant (also known as c.2231A>T), located in coding exon 6 of the CASR gene, results from an A to T substitution at nucleotide position 2231. The tyrosine at codon 744 is replaced by phenylalanine, an amino acid with highly similar properties. This amino acid position is conserved. In addition, the in silico prediction for this alteration is inconclusive. Since supporting evidence is limited at this time, the clinical significance of this alteration remains unclear.

Blueprint Genetics
Classification: Uncertain significance. Last evaluated: 2021-06-29. Review status: criteria provided, single submitter. Criteria: ACMG Guidelines, 2015. Collection method: clinical testing. Allele origin: germline.

Labcorp Genetics (formerly Invitae), Labcorp
Classification: Uncertain significance for Familial hypocalciuric hypercalcemia; Autosomal dominant hypocalcemia 1. Last evaluated: 2020-09-24. Review status: criteria provided, single submitter. Criteria: Invitae Variant Classification Sherloc (09022015). Collection method: clinical testing. Allele origin: germline.
Comment: Algorithms developed to predict the effect of missense changes on protein structure and function are either unavailable or do not agree on the potential impact of this missense change (SIFT: "Deleterious"; PolyPhen-2: "Probably Damaging"; Align-GVGD: "Class C15"). In summary, the available evidence is currently insufficient to determine the role of this variant in disease. Therefore, it has been classified as a Variant of Uncertain Significance. This variant has not been reported in the literature in individuals with CASR-related conditions. This variant is present in population databases (rs751816764, ExAC 0.002%). This sequence change replaces tyrosine with phenylalanine at codon 744 of the CASR protein (p.Tyr744Phe). The tyrosine residue is highly conserved and there is a small physicochemical difference between tyrosine and phenylalanine.

NM_000388.4(CASR):c.2231A>T (p.Tyr744Phe)

Gene: CASR (calcium sensing receptor; plus strand). Cytogenetic location: 3q21.1.
Variant type: single nucleotide variant.
Coding change: c.2231A>T on transcript NM_000388.4 (MANE Select); coding-DNA position 2231, A replaced by T.
Protein change: p.Tyr744Phe; replaces tyrosine 744 with phenylalanine.
Molecular consequence: missense variant.
Genome position (GRCh38, 1-based): chr3:122,284,185, A>T. VCF-style: chr3-122284185-A-T. GRCh37 (hg19) VCF-style: chr3-122003032-A-T.
Other names: c.2261A>T, p.Tyr754Phe (NM_001178065.2); c.2231A>T (NM_000388.3); short protein forms Y744F, Y754F.
Identifiers: ClinVar variation 1026140 (VCV001026140.11), dbSNP rs751816764, ClinGen allele CA2569796.
Genomic context (GRCh38, chr3:122,284,185, plus strand): 5'-AGTTCCTGCTGGTTTTCCTCTGCACCTTCATGCAGATTGTCATCTGTGTGATCTGGCTCT[A>T]CACCGCGCCCCCGTCAAGCTACCGCAACCAGGAGCTGGAGGATGAGATCATCTTCATCAC-3'
Protein context (NP_000379.3, residues 734-754): MQIVICVIWL[Tyr744Phe]TAPPSSYRNQ